The following is an entry in ClinVar:

NM_015425.6(POLR1A):c.1380+2T>G

Gene: POLR1A (RNA polymerase I subunit A; minus strand). Cytogenetic location: 2p11.2.
Variant type: single nucleotide variant.
Coding change: c.1380+2T>G on transcript NM_015425.6 (MANE Select); the canonical splice donor site of the intron after coding-DNA position 1380, T replaced by G.
Molecular consequence: splice donor variant.
Genome position (GRCh38, 1-based): chr2:86,077,857, A>C on the plus strand (T>G on the coding strand, the complement: POLR1A is on the minus strand). VCF-style: chr2-86077857-A-C. GRCh37 (hg19) VCF-style: chr2-86304980-A-C.
Identifiers: ClinVar variation 2978901 (VCV002978901.3), dbSNP rs1163817889, ClinGen allele CA347551705.

ClinVar aggregate classification (germline): Uncertain significance (1 of 4 stars; one submission).

Allele frequency attached by ClinVar (database versions not stated): gnomAD 0.00001; gnomAD exomes 0.00001.
gnomAD v4.1: 13 of 1,593,190 alleles (0.00082%); highest among the groups gnomAD compares: African/African-American, 0.0042%; no homozygotes.

Submission:

Labcorp Genetics (formerly Invitae), Labcorp
Classification: Uncertain significance. Last evaluated: 2024-10-31. Review status: criteria provided, single submitter. Criteria: Invitae Variant Classification Sherloc (09022015). Collection method: clinical testing. Allele origin: germline.
Comment: This sequence change affects a donor splice site in intron 11 of the POLR1A gene. It is expected to disrupt RNA splicing. Variants that disrupt the donor or acceptor splice site typically lead to a loss of protein function (PMID: 16199547), however the current clinical and genetic evidence is not sufficient to establish whether loss-of-function variants in POLR1A cause disease. The frequency data for this variant in the population databases is considered unreliable, as metrics indicate poor data quality at this position in the gnomAD database. This variant has not been reported in the literature in individuals affected with POLR1A-related conditions. ClinVar contains an entry for this variant (Variation ID: 2978901). Algorithms developed to predict the effect of sequence changes on RNA splicing suggest that this variant may disrupt the consensus splice site. In summary, the available evidence is currently insufficient to determine the role of this variant in disease. Therefore, it has been classified as a Variant of Uncertain Significance.

Literature cited by the submitters: PubMed 16199547.